The following is an entry in ClinVar:

NM_000282.4(PCCA):c.917T>A (p.Ile306Asn)

Gene: PCCA (propionyl-CoA carboxylase subunit alpha; plus strand). Cytogenetic location: 13q32.3.
Variant type: single nucleotide variant.
Coding change: c.917T>A on transcript NM_000282.4 (MANE Select); coding-DNA position 917, T replaced by A.
Protein change: p.Ile306Asn; replaces isoleucine 306 with asparagine.
Molecular consequence: missense variant. On other transcripts: 5 prime UTR variant (3), non-coding transcript variant (5).
Genome position (GRCh38, 1-based): chr13:100,273,198, T>A. VCF-style: chr13-100273198-T-A. GRCh37 (hg19) VCF-style: chr13-100925452-T-A.
Other names: c.839T>A, p.Ile280Asn (NM_001127692.3, NM_001352607.2, NM_001352608.2); c.917T>A, p.Ile306Asn (NM_001178004.2, NM_001352605.2, NM_001352606.2 and 1 more transcripts); c.-29T>A (NM_001352610.2, NM_001352611.2, NM_001352612.2); short protein forms I306N, I280N.
Identifiers: ClinVar variation 2146245 (VCV002146245.1), dbSNP rs774449821, ClinGen allele CA7033454.
Genomic context (GRCh38, chr13:100,273,198, plus strand): 5'-ACAAAAGATAACTTGATTTTTGTCCGAAATGTAGACAAACATTTTTTTGTATATGTAGCA[T>A]TTTTTTGGATGCGGAGACTCGAAGAGCGATGGGAGAACAAGCTGTAGCTCTTGCCAGAGC-3'
Protein context (NP_000273.2, residues 296-316): NQKVVEEAPS[Ile306Asn]FLDAETRRAM

ClinVar aggregate classification (germline): Uncertain significance (1 of 4 stars; one submission).

Conditions:
Propionic acidemia (PROP). Also called: GLYCINEMIA, KETOTIC; HYPERGLYCINEMIA WITH KETOACIDOSIS AND LEUKOPENIA; KETOTIC HYPERGLYCINEMIA. Identifiers: Orphanet 35, MedGen C0268579, MONDO:0011628, OMIM 606054, HP:0003571.

Allele frequency attached by ClinVar (database versions not stated): ExAC 0.00001; gnomAD exomes 0.00001; TOPMed 0.00001; gnomAD 0.00002.
gnomAD v4.1: 11 of 1,606,946 alleles (0.00068%); highest among the groups gnomAD compares: Non-Finnish European, 0.00094%; no homozygotes.

Submission:

Labcorp Genetics (formerly Invitae), Labcorp
Classification: Uncertain significance for Propionic acidemia. Last evaluated: 2021-09-17. Review status: criteria provided, single submitter. Criteria: Invitae Variant Classification Sherloc (09022015). Collection method: clinical testing. Allele origin: germline.
Comment: This sequence change replaces isoleucine with asparagine at codon 306 of the PCCA protein (p.Ile306Asn). The isoleucine residue is moderately conserved and there is a large physicochemical difference between isoleucine and asparagine. This variant is present in population databases (rs774449821, ExAC 0.002%). This variant has not been reported in the literature in individuals with PCCA-related conditions. Algorithms developed to predict the effect of missense changes on protein structure and function (SIFT, PolyPhen-2, Align-GVGD) all suggest that this variant is likely to be tolerated, but these predictions have not been confirmed by published functional studies and their clinical significance is uncertain. In summary, the available evidence is currently insufficient to determine the role of this variant in disease. Therefore, it has been classified as a Variant of Uncertain Significance.